The following is an entry in ClinVar:

NM_138694.4(PKHD1):c.5116_5117insCATTTCTTATT (p.Val1706fs)

Genes: PKHD1 (PKHD1 ciliary IPT domain containing fibrocystin/polyductin; minus strand), LOC126859690 (MED14-independent group 3 enhancer GRCh37_chr6:51888848-51890047; plus strand). Cytogenetic location: 6p12.2.
Variant type: Insertion.
Coding change: c.5116_5117insCATTTCTTATT on transcript NM_138694.4 (MANE Select); coding-DNA positions 5116 to 5117, CATTTCTTATT inserted.
Protein change: p.Val1706fs; shifts the reading frame from valine 1706.
Molecular consequence: frameshift variant.
Genome position: GRCh38 VCF-style: chr6-52024693-A-AAATAAGAAATG. GRCh37 (hg19) VCF-style: chr6-51889491-A-AAATAAGAAATG.
Other names: c.5116_5117insCATTTCTTATT, p.Val1706fs (NM_170724.3); short protein forms V1706fs.
Identifiers: ClinVar variation 1726768 (VCV001726768.2), dbSNP rs2532687430, ClinGen allele CA2580075517.

ClinVar aggregate classification (germline): Likely pathogenic (1 of 4 stars; one submission).

Conditions:
Polycystic kidney disease 4 (PKD4). Also called: POLYCYSTIC KIDNEY AND HEPATIC DISEASE 1; POLYCYSTIC KIDNEY DISEASE, INFANTILE, TYPE I; POLYCYSTIC KIDNEY DISEASE 4 WITH OR WITHOUT POLYCYSTIC LIVER DISEASE; PKD3; Autosomal Recessive Polycystic Kidney Disease – PKHD1. Identifiers: MedGen C4540575, MONDO:0033004, OMIM 263200.

Submission:

Myriad Genetics, Inc.
Classification: Likely pathogenic for Polycystic kidney disease 4. Last evaluated: 2022-01-02. Review status: criteria provided, single submitter. Criteria: Myriad Women's Health Autosomal Recessive and X-Linked Classification Criteria (2021). Collection method: clinical testing. Allele origin: unknown.
Comment: NM_138694.3(PKHD1):c.5116_5117ins11(V1706Afs*40) is expected to be pathogenic in the context of autosomal recessive polycystic kidney disease, PKHD1-related. This variant is predicted to lead to an abnormal or absent protein product due to the creation of a premature termination codon in PKHD1, a gene where loss-of-function variants are known to be pathogenic. Please note: this variant was assessed in the context of healthy population screening.